The following is an entry in ClinVar:

NM_003073.5(SMARCB1):c.92_93del (p.Glu31fs)

Gene: SMARCB1 (SWI/SNF related BAF chromatin remodeling complex subunit B1; plus strand). Cytogenetic location: 22q11.23.
Variant type: Deletion.
Coding change: c.92_93del on transcript NM_003073.5 (MANE Select); coding-DNA positions 92 to 93, 2 bases deleted (AG; older notation c.92_93delAG).
Protein change: p.Glu31fs; shifts the reading frame from glutamic acid 31.
Molecular consequence: frameshift variant.
Genome position (GRCh38, 1-based): chr22:23,787,261-23,787,262, AG deleted; deleting any 2 consecutive bases within chr22:23,787,260-23,787,262 gives the same sequence; the c. name uses the placement nearest the transcript's 3' end. VCF-style (leftmost placement, unchanged base first): chr22-23787259-CGA-C. GRCh37 (hg19) VCF-style: chr22-24129446-CGA-C.
Other names: c.92_93del, p.Glu31fs (NM_001007468.3, NM_001317946.2, NM_001362877.2); short protein forms E31fs.
Identifiers: ClinVar variation 1074512 (VCV001074512.7), dbSNP rs2145952190, ClinGen allele CA2499226028.

ClinVar aggregate classification (germline): Pathogenic (1 of 4 stars; one submission).

Submission:

Labcorp Genetics (formerly Invitae), Labcorp
Classification: Pathogenic. Last evaluated: 2020-02-27. Review status: criteria provided, single submitter. Criteria: Invitae Variant Classification Sherloc (09022015). Collection method: clinical testing. Allele origin: germline.
Comment: For these reasons, this variant has been classified as Pathogenic. Loss-of-function variants in SMARCB1 are known to be pathogenic (PMID: 10521299, 21208904). Algorithms developed to predict the effect of sequence changes on RNA splicing suggest that this variant may disrupt the consensus splice site, but this prediction has not been confirmed by published transcriptional studies. This variant has not been reported in the literature in individuals with SMARCB1-related conditions. This variant is not present in population databases (ExAC no frequency). This sequence change creates a premature translational stop signal (p.Glu31Glyfs*39) in the SMARCB1 gene. It is expected to result in an absent or disrupted protein product.

Literature cited by the submitters: PubMed 10521299; PubMed 21208904.